The following is an entry in ClinVar:

ClinVar aggregate classification (germline): Likely benign (1 of 4 stars; one submission).

Allele frequency attached by ClinVar (database versions not stated): 1000 Genomes Project 0.00140; 1000 Genomes Project 30x 0.00156; gnomAD 0.00560; ExAC 0.00609; TOPMed 0.00635; ESP Exome Variant Server 0.00761; gnomAD exomes 0.00845.
gnomAD v4.1: 13,002 of 1,585,338 alleles (0.82%); highest among the groups gnomAD compares: Non-Finnish European, 0.99%; 73 homozygotes.

Submission:

CeGaT Center for Human Genetics Tuebingen
Classification: Likely benign. Last evaluated: 2026-08-01. Review status: criteria provided, single submitter. Criteria: CeGaT Center For Human Genetics Tuebingen Variant Classification Criteria Version 2. Collection method: clinical testing. Allele origin: germline. Affected: yes. Observed: 15 variant alleles.
Comment: CSNK1G1: BS2

NM_022048.5(CSNK1G1):c.985G>A (p.Val329Ile)

Gene: CSNK1G1 (casein kinase 1 gamma 1; minus strand). Cytogenetic location: 15q22.31.
Variant type: single nucleotide variant.
Coding change: c.985G>A on transcript NM_022048.5 (MANE Select); coding-DNA position 985, G replaced by A.
Protein change: p.Val329Ile; replaces valine 329 with isoleucine.
Molecular consequence: missense variant.
Genome position (GRCh38, 1-based): chr15:64,204,455, C>T on the plus strand (G>A on the coding strand, the complement: CSNK1G1 is on the minus strand). VCF-style: chr15-64204455-C-T. GRCh37 (hg19) VCF-style: chr15-64496654-C-T.
Other names: c.985G>A, p.Val329Ile (NM_001011664.2, NM_001329605.2, NM_001329606.2 and 1 more transcripts); short protein forms V329I.
Identifiers: ClinVar variation 2645442 (VCV002645442.24), dbSNP rs55699712, ClinGen allele CA7608814.